The following is an entry in ClinVar:

ClinVar aggregate classification (germline): Uncertain significance. Review status: criteria provided, multiple submitters, no conflicts (2 of 4 stars). 2 submissions from 2 submitters: Uncertain significance (2). Last evaluated 2024-11-10.

Conditions:
Hereditary cancer-predisposing syndrome. Also called: Neoplastic Syndromes, Hereditary; Tumor predisposition; Hereditary Cancer Syndrome; Hereditary neoplastic syndrome. Identifiers: Orphanet 140162, MedGen C0027672, MeSH D009386, MONDO:0015356.
Familial cancer of breast. Also called: BREAST CANCER, FAMILIAL; Hereditary breast cancer; hereditary breast carcinoma. Identifiers: Orphanet 227535, MedGen C0346153, MONDO:0016419, OMIM 114480. Disease mechanism: loss of function.

Submissions (2):

Labcorp Genetics (formerly Invitae), Labcorp
Classification: Uncertain significance for Familial cancer of breast. Last evaluated: 2024-11-10. Review status: criteria provided, single submitter. Criteria: Invitae Variant Classification Sherloc (09022015). Collection method: clinical testing. Allele origin: germline.
Comment: This sequence change replaces glutamic acid, which is acidic and polar, with lysine, which is basic and polar, at codon 528 of the PALB2 protein (p.Glu528Lys). This variant is not present in population databases (gnomAD no frequency). This variant has not been reported in the literature in individuals affected with PALB2-related conditions. ClinVar contains an entry for this variant (Variation ID: 921023). Invitae Evidence Modeling of protein sequence and biophysical properties (such as structural, functional, and spatial information, amino acid conservation, physicochemical variation, residue mobility, and thermodynamic stability) indicates that this missense variant is not expected to disrupt PALB2 protein function with a negative predictive value of 80%. In summary, the available evidence is currently insufficient to determine the role of this variant in disease. Therefore, it has been classified as a Variant of Uncertain Significance.

Color Diagnostics, LLC DBA Color Health
Classification: Uncertain significance for Hereditary cancer-predisposing syndrome. Last evaluated: 2023-12-04. Review status: criteria provided, single submitter. Criteria: ACMG Guidelines, 2015. Collection method: clinical testing. Allele origin: germline.
Comment: This missense variant replaces glutamic acid with lysine at codon 528 of the PALB2 protein. Computational prediction suggests that this variant may not impact protein structure and function (internally defined REVEL score threshold <= 0.5, PMID: 27666373). To our knowledge, functional studies have not been reported for this variant. This variant has not been reported in individuals affected with PALB2-related disorders in the literature. This variant has not been identified in the general population by the Genome Aggregation Database (gnomAD). The available evidence is insufficient to determine the role of this variant in disease conclusively. Therefore, this variant is classified as a Variant of Uncertain Significance.

NM_024675.4(PALB2):c.1582G>A (p.Glu528Lys)

Gene: PALB2 (partner and localizer of BRCA2; minus strand). Cytogenetic location: 16p12.2.
Variant type: single nucleotide variant.
Coding change: c.1582G>A on transcript NM_024675.4 (MANE Select); coding-DNA position 1582, G replaced by A.
Protein change: p.Glu528Lys; replaces glutamic acid 528 with lysine.
Molecular consequence: missense variant.
Genome position (GRCh38, 1-based): chr16:23,634,964, C>T on the plus strand (G>A on the coding strand, the complement: PALB2 is on the minus strand). VCF-style: chr16-23634964-C-T. GRCh37 (hg19) VCF-style: chr16-23646285-C-T.
Other names: short protein forms E528K.
Identifiers: ClinVar variation 921023 (VCV000921023.6), dbSNP rs1966955447, ClinGen allele CA395130644.
Genomic context (GRCh38, chr16:23,634,964, plus strand): 5'-AGGTGACTTCTTCCTTGGACCTGTTAACAATCGACAGGCTAGAAGTTGGCAAAAGTGGTT[C>T]ACAATGATCTGATGCTGGGGTGCAGGCTGATTTTCTTTTTCCTGTGTATCTTCTACCAGG-3'
Protein context (NP_078951.2, residues 518-538): SACTPASDHC[Glu528Lys]PLLPTSSLSI